The following is an entry in ClinVar:

ClinVar aggregate classification (germline): Likely benign (1 of 4 stars; one submission).

Allele frequency attached by ClinVar (database versions not stated): gnomAD exomes 0.48760.
gnomAD v4.1: 14,177 of 31,072 alleles (46%); highest among the groups gnomAD compares: Middle Eastern, 51%; 191 homozygotes.

Submission:

GeneDx
Classification: Likely benign. Last evaluated: 2018-06-18. Review status: criteria provided, single submitter. Criteria: GeneDx Variant Classification (06012015). Collection method: clinical testing. Allele origin: germline. Affected: yes.
Comment: This variant is considered likely benign or benign based on one or more of the following criteria: it is a conservative change, it occurs at a poorly conserved position in the protein, it is predicted to be benign by multiple in silico algorithms, and/or has population frequency not consistent with disease.

NM_001191061.2(SLC25A22):c.-163-206A>G

Gene: SLC25A22 (solute carrier family 25 member 22; minus strand). Cytogenetic location: 11p15.5.
Variant type: single nucleotide variant.
Coding change: c.-163-206A>G on transcript NM_001191061.2 (MANE Select); 206 bases into the intron before 163 bases upstream of the start codon, A replaced by G.
Molecular consequence: intron variant.
Genome position (GRCh38, 1-based): chr11:795,375, T>C on the plus strand (A>G on the coding strand, the complement: SLC25A22 is on the minus strand). VCF-style: chr11-795375-T-C. GRCh37 (hg19) VCF-style: chr11-795375-T-C.
Other names: c.-163-206A>G (NM_001191060.2, NM_024698.6).
Identifiers: ClinVar variation 672215 (VCV000672215.1), dbSNP rs57212291, ClinGen allele CA216948013.
Genomic context (GRCh38, chr11:795,375, plus strand): 5'-ACCTGCCACCCAGTCCCATGCTCACCCCTGGGACCACCTGGCTTCCTTTCAGTCCCCCCC[T>C]CCCCACCGCCAGCGTCTTCCCAGCCAGCCTCACACGCCGCTCACGCTCGGGGCTCACGTG-3'